The following is an entry in ClinVar:

NM_020822.3(KCNT1):c.1426T>C (p.Trp476Arg)

Gene: KCNT1 (potassium sodium-activated channel subfamily T member 1; plus strand). Cytogenetic location: 9q34.3.
Variant type: single nucleotide variant.
Coding change: c.1426T>C on transcript NM_020822.3 (MANE Select); coding-DNA position 1426, T replaced by C.
Protein change: p.Trp476Arg; replaces tryptophan 476 with arginine.
Molecular consequence: missense variant.
Genome position (GRCh38, 1-based): chr9:135,768,853, T>C. VCF-style: chr9-135768853-T-C. GRCh37 (hg19) VCF-style: chr9-138660699-T-C.
Other names: c.1291T>C, p.Trp431Arg (NM_001272003.2); short protein forms W476R, W431R.
Identifiers: ClinVar variation 265211 (VCV000265211.2), dbSNP rs886039397, ClinGen allele CA10588472.

ClinVar aggregate classification (germline): Pathogenic (1 of 4 stars; one submission).

Submission:

GeneDx
Classification: Pathogenic. Last evaluated: 2015-09-24. Review status: criteria provided, single submitter. Criteria: GeneDx Variant Classification (06012015). Collection method: clinical testing. Allele origin: germline. Affected: yes.
Comment: The W476R pathogenic variant in the KCNT1 gene has not been reported previously as a pathogenic variant nor as a benign variant, to our knowledge. The W476R variant was not observed in approximately 6,500 individuals of European and African American ancestry in the NHLBI Exome Sequencing Project, indicating it is not a common benign variant in these populations. The W476R variant is a non-conservative amino acid substitution, which occurs at a position that is conserved across species. In silico analysis predicts this variant is probably damaging to the protein structure/function. Missense variants in nearby residues (R474C, R474H) have been reported in the Human Gene Mutation Database in association with malignant migrating partial seizures in infancy (Stenson et al., 2014), supporting the functional importance of this region of the protein. We interpret W476R as a pathogenic variant.